The following is an entry in ClinVar:

ClinVar aggregate classification (germline): Uncertain significance (1 of 4 stars; one submission).

Conditions:
Immunodeficiency. Identifiers: MedGen C0021051, MONDO:0021094, HP:0002721.

Allele frequency attached by ClinVar (database versions not stated): TOPMed below 0.00001.

Submission:

Labcorp Genetics (formerly Invitae), Labcorp
Classification: Uncertain significance for Immunodeficiency. Last evaluated: 2023-12-22. Review status: criteria provided, single submitter. Criteria: Invitae Variant Classification Sherloc (09022015). Collection method: clinical testing. Allele origin: germline.
Comment: This sequence change replaces threonine, which is neutral and polar, with alanine, which is neutral and non-polar, at codon 178 of the NFAT5 protein (p.Thr178Ala). This variant is not present in population databases (gnomAD no frequency). This variant has not been reported in the literature in individuals affected with NFAT5-related conditions. ClinVar contains an entry for this variant (Variation ID: 945893). An algorithm developed to predict the effect of missense changes on protein structure and function (PolyPhen-2) suggests that this variant is likely to be tolerated. In summary, the available evidence is currently insufficient to determine the role of this variant in disease. Therefore, it has been classified as a Variant of Uncertain Significance.

NM_138713.4(NFAT5):c.814A>G (p.Thr272Ala)

Gene: NFAT5 (nuclear factor of activated T cells 5; plus strand). Cytogenetic location: 16q22.1.
Variant type: single nucleotide variant.
Coding change: c.814A>G on transcript NM_138713.4 (MANE Select); coding-DNA position 814, A replaced by G.
Protein change: p.Thr272Ala; replaces threonine 272 with alanine.
Molecular consequence: missense variant.
Genome position (GRCh38, 1-based): chr16:69,653,237, A>G. VCF-style: chr16-69653237-A-G. GRCh37 (hg19) VCF-style: chr16-69687140-A-G.
Other names: c.814A>G, p.Thr272Ala (NM_001113178.3); c.142A>G, p.Thr48Ala (NM_001367709.1); c.760A>G, p.Thr254Ala (NM_006599.4); c.532A>G, p.Thr178Ala (NM_138714.4, NM_173214.3, NM_173215.3); short protein forms T254A, T48A, T272A, T178A.
Identifiers: ClinVar variation 945893 (VCV000945893.9), dbSNP rs2035749704, ClinGen allele CA396489005.